The following is an entry in ClinVar:

NM_015559.3(SETBP1):c.4037C>A (p.Ala1346Glu)

Gene: SETBP1 (SET binding protein 1; plus strand). Cytogenetic location: 18q12.3.
Variant type: single nucleotide variant.
Coding change: c.4037C>A on transcript NM_015559.3 (MANE Select); coding-DNA position 4037, C replaced by A.
Protein change: p.Ala1346Glu; replaces alanine 1346 with glutamic acid.
Molecular consequence: missense variant.
Genome position (GRCh38, 1-based): chr18:45,038,521, C>A. VCF-style: chr18-45038521-C-A. GRCh37 (hg19) VCF-style: chr18-42618486-C-A.
Other names: c.4037C>A, p.Ala1346Glu (NM_001379141.1, NM_001379142.1); c.4037C>A (NM_015559.2); short protein forms A1346E.
Identifiers: ClinVar variation 1895813 (VCV001895813.6), dbSNP rs973611154, ClinGen allele CA299926158.

ClinVar aggregate classification (germline): Uncertain significance. Review status: criteria provided, single submitter (1 of 4 stars). 2 submissions from 2 submitters: Uncertain significance (1). 1 of the submissions does not count toward it. Last evaluated 2022-12-06.

Conditions:
SETBP1-related disorder. Also called: SETBP1-related condition; SETBP1-related disorders.

gnomAD v4.1: 4 of 1,613,990 alleles (0.00025%); highest among the groups gnomAD compares: Non-Finnish European, 0.00034%; no homozygotes.

Submissions (2):

Labcorp Genetics (formerly Invitae), Labcorp
Classification: Uncertain significance. Last evaluated: 2022-12-06. Review status: criteria provided, single submitter. Criteria: Invitae Variant Classification Sherloc (09022015). Collection method: clinical testing. Allele origin: germline.
Comment: In summary, the available evidence is currently insufficient to determine the role of this variant in disease. Therefore, it has been classified as a Variant of Uncertain Significance. Advanced modeling of protein sequence and biophysical properties (such as structural, functional, and spatial information, amino acid conservation, physicochemical variation, residue mobility, and thermodynamic stability) performed at Invitae indicates that this missense variant is not expected to disrupt SETBP1 protein function. This variant has not been reported in the literature in individuals affected with SETBP1-related conditions. This variant is not present in population databases (gnomAD no frequency). This sequence change replaces alanine, which is neutral and non-polar, with glutamic acid, which is acidic and polar, at codon 1346 of the SETBP1 protein (p.Ala1346Glu).

PreventionGenetics, part of Exact Sciences
Classification: Uncertain significance for SETBP1-related condition. Last evaluated: 2024-09-28. Review status: no assertion criteria provided. Collection method: clinical testing. Allele origin: germline. Not counted in ClinVar's aggregate classification.
Comment: The SETBP1 c.4037C>A variant is predicted to result in the amino acid substitution p.Ala1346Glu. This variant has been reported in a cohort study with intellectual disability (Leonardi et al. 2020. PubMed ID: 33391157). This variant is not reported in a large population database, indicating this variant is rare. At this time, the clinical significance of this variant is uncertain due to the absence of conclusive functional and genetic evidence.